The following is an entry in ClinVar:

NM_000489.6(ATRX):c.2787G>C (p.Glu929Asp)

Gene: ATRX (ATRX chromatin remodeler; minus strand). Cytogenetic location: Xq21.1.
Variant type: single nucleotide variant.
Coding change: c.2787G>C on transcript NM_000489.6 (MANE Select); coding-DNA position 2787, G replaced by C.
Protein change: p.Glu929Asp; replaces glutamic acid 929 with aspartic acid.
Molecular consequence: missense variant.
Genome position (GRCh38, 1-based): chrX:77,682,469, C>G on the plus strand (G>C on the coding strand, the complement: ATRX is on the minus strand). VCF-style: chrX-77682469-C-G. GRCh37 (hg19) VCF-style: chrX-76937961-C-G.
Other names: c.2785_2787delinsGAC (NM_000489.6); c.2673G>C, p.Glu891Asp (NM_138270.5); c.2785_2787delCAGinsGAC (NM_000489.3); short protein forms E891D, E929D.
Identifiers: ClinVar variation 1006819 (VCV001006819.16), dbSNP rs782283059, ClinGen allele CA10458031.
Genomic context (GRCh38, chrX:77,682,469, plus strand): 5'-GAGATGCTTGCTCTTTTCTTTAGTTTCAGCAACTTTTCTAACTTCCAAAGAAGTAAAACT[C>G]TCCTCTTTCCCAGAAAGCTTATCGACACCATCAGTGGAAGCACTTGCTTGCTGCTTCTTA-3'
Protein context (NP_000480.3, residues 919-939): DGVDKLSGKE[Glu929Asp]SFTSLEVRKV

ClinVar aggregate classification (germline): Conflicting classifications of pathogenicity. Review status: criteria provided, conflicting classifications (1 of 4 stars). 5 submissions from 5 submitters: Uncertain significance (1); Likely benign (2). 2 of the submissions do not count toward it. Last evaluated 2024-11-04.

Conditions:
Alpha thalassemia-X-linked intellectual disability syndrome (ATRX). Also called: ALPHA-THALASSEMIA/MENTAL RETARDATION SYNDROME, X-LINKED; ATR, NONDELETION TYPE; ATR-X syndrome; Alpha thalassemia mental retardation syndrome, nondeletion type, X-linked; XLMR hypotonic face syndrome; X-linked alpha-thalassemia-mental retardation syndrome. Identifiers: Orphanet 847, MedGen C1845055, MONDO:0010519, OMIM 301040.
Inborn genetic diseases. Identifiers: MedGen C0950123, MeSH D030342.
Intellectual disability-hypotonic facies syndrome, X-linked, 1 (MRXHF1). Also called: X-linked intellectual disability-hypotonic face syndrome; XLMR-HYPOTONIC FACIES SYNDROME; CHUDLEY-LOWRY SYNDROME; Chudley syndrome 1; Chudley-Lowry-Hoar syndrome; Carpenter-Waziri syndrome. Identifiers: Orphanet 73220, Orphanet 93970, Orphanet 93971, Orphanet 93972, Orphanet 93973, Orphanet 93974, Orphanet 93975, MedGen C4759781, MONDO:0010663, OMIM 309580.

Allele frequency attached by ClinVar (database versions not stated): TOPMed below 0.00001; ExAC 0.00001; gnomAD exomes 0.00001.
gnomAD v4.1: 10 of 1,211,333 alleles (0.00083%); highest among the groups gnomAD compares: Middle Eastern, 0.046%; no homozygotes.

Submissions (5):

Labcorp Genetics (formerly Invitae), Labcorp
Classification: Likely benign for Alpha thalassemia-X-linked intellectual disability syndrome. Last evaluated: 2024-11-04. Review status: criteria provided, single submitter. Criteria: Invitae Variant Classification Sherloc (09022015). Collection method: clinical testing. Allele origin: germline.

Ambry Genetics
Classification: Likely benign for Inborn genetic diseases. Last evaluated: 2024-03-20. Review status: criteria provided, single submitter. Criteria: Ambry Variant Classification Scheme 2023. Collection method: clinical testing. Allele origin: germline.

3billion
Classification: Uncertain significance for Intellectual disability-hypotonic facies syndrome, X-linked, 1. Last evaluated: 2021-10-25. Review status: criteria provided, single submitter. Criteria: ACMG Guidelines, 2015. Collection method: clinical testing. Allele origin: unknown. Affected: yes. Observed: 1 hemizygote.
Comment: The variant is observed at an extremely low frequency in the gnomAD v2.1.1 dataset (total allele frequency: 0.00001). This variant is shared with the similarly affected malesibling (3billion dataset). Therefore, this variant is classified as uncertain significance according to the recommendation of ACMG/AMP guideline.

Zotz-Klimas Genetics Lab, MVZ Zotz Klimas
Classification: Uncertain significance for Intellectual disability-hypotonic facies syndrome, X-linked, 1. Last evaluated: 2023-10-30. Review status: no assertion criteria provided. Collection method: clinical testing. Allele origin: germline. Affected: yes. Not counted in ClinVar's aggregate classification.

Natera, Inc.
Classification: Uncertain significance for X-linked alpha-thalassemia-mental retardation syndrome. Last evaluated: 2020-05-18. Review status: no assertion criteria provided. Collection method: clinical testing. Allele origin: germline. Not counted in ClinVar's aggregate classification.